The following is an entry in ClinVar:

NM_006231.4(POLE):c.4908C>A (p.Tyr1636Ter)

Gene: POLE (DNA polymerase epsilon, catalytic subunit; minus strand). Cytogenetic location: 12q24.33.
Variant type: single nucleotide variant.
Coding change: c.4908C>A on transcript NM_006231.4 (MANE Select); coding-DNA position 4908, C replaced by A.
Protein change: p.Tyr1636Ter; replaces tyrosine 1636 with a stop codon.
Molecular consequence: nonsense.
Genome position (GRCh38, 1-based): chr12:132,642,550, G>T on the plus strand (C>A on the coding strand, the complement: POLE is on the minus strand). VCF-style: chr12-132642550-G-T. GRCh37 (hg19) VCF-style: chr12-133219136-G-T.
Other names: c.4908C>A (NM_006231.2); short protein forms Y1636*.
Identifiers: ClinVar variation 2785528 (VCV002785528.4), dbSNP rs2541885548, ClinGen allele CA387377950.
Genomic context (GRCh38, chr12:132,642,550, plus strand): 5'-ACAGTACTGTGCTCACCTGCTCATCTCGAAGGCCTGCGACAGGCAGGTGTCCAGGTTGAG[G>T]TAGTGACGGATCATGCGCCGGGCTCCATGGCGCTGCCAGTCCAGGACCCCATAGTTGATC-3'

ClinVar aggregate classification (germline): Conflicting classifications of pathogenicity. Review status: criteria provided, conflicting classifications (1 of 4 stars). 2 submissions from 2 submitters: Pathogenic (1); Uncertain significance (1). Last evaluated 2025-09-26.

Conditions:
Hereditary cancer-predisposing syndrome. Also called: Hereditary neoplastic syndrome; Neoplastic Syndromes, Hereditary; Tumor predisposition; Hereditary Cancer Syndrome. Identifiers: Orphanet 140162, MedGen C0027672, MeSH D009386, MONDO:0015356.

Submissions (2):

Ambry Genetics
Classification: Uncertain significance for Hereditary cancer-predisposing syndrome. Last evaluated: 2025-09-26. Review status: criteria provided, single submitter. Criteria: Ambry Variant Classification Scheme 2023. Collection method: clinical testing. Allele origin: germline.
Comment: The p.Y1636* variant (also known as c.4908C>A), located in coding exon 37 of the POLE gene, results from a C to A substitution at nucleotide position 4908. This changes the amino acid from a tyrosine to a stop codon within coding exon 37. This alteration is expected to result in loss of function by premature protein truncation or nonsense-mediated mRNA decay. Although biallelic loss of function of POLE has been associated with autosomal recessive POLE deficiency, haploinsufficiency of POLE has not been established as a mechanism of disease for POLE-related polymerase proofreading-associated polyposis (PPAP) and POLE-related CMMRD-like syndrome. Based on the supporting evidence, this variant is expected to be causative of POLE deficiency when present along with a second pathogenic variant on the other allele; however, its clinical significance for PPAP and POLE-related CMMRD-like syndrome is (unclear/unlikely).

Labcorp Genetics (formerly Invitae), Labcorp
Classification: Pathogenic. Last evaluated: 2023-06-18. Review status: criteria provided, single submitter. Criteria: Invitae Variant Classification Sherloc (09022015). Collection method: clinical testing. Allele origin: germline.
Comment: For these reasons, this variant has been classified as Pathogenic. This variant has not been reported in the literature in individuals affected with POLE-related conditions. This variant is not present in population databases (gnomAD no frequency). This sequence change creates a premature translational stop signal (p.Tyr1636*) in the POLE gene. It is expected to result in an absent or disrupted protein product. Loss-of-function variants in POLE are known to be pathogenic (PMID: 23230001, 25948378, 30503519).

Literature cited by the submitters: PubMed 23230001 (cited by Labcorp Genetics (formerly Invitae), Labcorp); PubMed 25948378 (cited by Labcorp Genetics (formerly Invitae), Labcorp); PubMed 30503519 (cited by Labcorp Genetics (formerly Invitae), Labcorp).